The following is an entry in ClinVar:

NM_020988.3(GNAO1):c.617G>A (p.Arg206Gln)

Gene: GNAO1 (G protein subunit alpha o1; plus strand). Cytogenetic location: 16q13.
Variant type: single nucleotide variant.
Coding change: c.617G>A on transcript NM_020988.3 (MANE Select); coding-DNA position 617, G replaced by A.
Protein change: p.Arg206Gln; replaces arginine 206 with glutamine.
Molecular consequence: missense variant.
Genome position (GRCh38, 1-based): chr16:56,336,754, G>A. VCF-style: chr16-56336754-G-A. GRCh37 (hg19) VCF-style: chr16-56370666-G-A.
Other names: c.617G>A, p.Arg206Gln (NM_138736.3); c.617G>A (NM_020988.2); short protein forms R206Q.
Identifiers: ClinVar variation 2498665 (VCV002498665.30), dbSNP rs1297225571, ClinGen allele CA395952184.

ClinVar aggregate classification (germline): Conflicting classifications of pathogenicity. Review status: criteria provided, conflicting classifications (1 of 4 stars). 2 submissions from 2 submitters: Likely pathogenic (1); Uncertain significance (1). Last evaluated 2025-02-18.

Submissions (2):

GeneDx
Classification: Uncertain significance. Last evaluated: 2025-02-18. Review status: criteria provided, single submitter. Criteria: GeneDx Variant Classification Process June 2021. Collection method: clinical testing. Allele origin: germline.
Comment: Reported in the published literature in a patient with dystonia; however, this variant was also present in unaffected relatives (PMID: 35722775); Not observed at significant frequency in large population cohorts (gnomAD); In silico analysis supports that this missense variant has a deleterious effect on protein structure/function; This variant is associated with the following publications: (PMID: 37142469, 35722775)

CeGaT Center for Human Genetics Tuebingen
Classification: Likely pathogenic. Last evaluated: 2023-03-01. Review status: criteria provided, single submitter. Criteria: CeGaT Center For Human Genetics Tuebingen Variant Classification Criteria Version 2. Collection method: clinical testing. Allele origin: germline. Affected: yes. Observed: 1 variant allele.
Comment: GNAO1: PM1, PM2, PM5, PP2, PP3